The following is an entry in ClinVar:

ClinVar aggregate classification (germline): Uncertain significance (1 of 4 stars; one submission).

Submission:

GeneDx
Classification: Uncertain significance. Last evaluated: 2022-05-02. Review status: criteria provided, single submitter. Criteria: GeneDx Variant Classification Process June 2021. Collection method: clinical testing. Allele origin: germline. Affected: yes.
Comment: Not observed at significant frequency in large population cohorts (gnomAD); In silico analysis supports that this missense variant does not alter protein structure/function; Has not been previously published as pathogenic or benign to our knowledge

NM_003482.4(KMT2D):c.13012C>T (p.Pro4338Ser)

Gene: KMT2D (lysine methyltransferase 2D; minus strand). Cytogenetic location: 12q13.12.
Variant type: single nucleotide variant.
Coding change: c.13012C>T on transcript NM_003482.4 (MANE Select); coding-DNA position 13012, C replaced by T.
Protein change: p.Pro4338Ser; replaces proline 4338 with serine.
Molecular consequence: missense variant.
Genome position (GRCh38, 1-based): chr12:49,031,693, G>A on the plus strand (C>T on the coding strand, the complement: KMT2D is on the minus strand). VCF-style: chr12-49031693-G-A. GRCh37 (hg19) VCF-style: chr12-49425476-G-A.
Other names: short protein forms P4338S.
Identifiers: ClinVar variation 1722820 (VCV001722820.2), dbSNP rs2120422893, ClinGen allele CA384707979.